The following is an entry in ClinVar:

ClinVar aggregate classification (germline): Likely benign. Review status: criteria provided, multiple submitters, no conflicts (2 of 4 stars). 2 submissions from 2 submitters: Likely benign (2). Last evaluated 2026-08-01.

Submissions (2):

CeGaT Center for Human Genetics Tuebingen
Classification: Likely benign. Last evaluated: 2026-08-01. Review status: criteria provided, single submitter. Criteria: CeGaT Center For Human Genetics Tuebingen Variant Classification Criteria Version 2. Collection method: clinical testing. Allele origin: germline. Affected: yes. Observed: 1 variant allele.
Comment: DNAH17: BP4

Blueprint Genetics
Classification: Likely benign. Last evaluated: 2024-10-23. Review status: criteria provided, single submitter. Criteria: ACMG Guidelines, 2015. Collection method: clinical testing. Allele origin: germline.

NM_173628.4(DNAH17):c.3285-7C>T

Gene: DNAH17 (dynein axonemal heavy chain 17; minus strand). Cytogenetic location: 17q25.3.
Variant type: single nucleotide variant.
Coding change: c.3285-7C>T on transcript NM_173628.4 (MANE Select); 7 bases into the intron before coding-DNA position 3285, C replaced by T.
Molecular consequence: intron variant.
Genome position (GRCh38, 1-based): chr17:78,529,701, G>A on the plus strand (C>T on the coding strand, the complement: DNAH17 is on the minus strand). VCF-style: chr17-78529701-G-A. GRCh37 (hg19) VCF-style: chr17-76525783-G-A.
Identifiers: ClinVar variation 4937241 (VCV004937241.2).
Genomic context (GRCh38, chr17:78,529,701, plus strand): 5'-GGCTTGGTCAAGCCCATTCTGGCGACTTTCATGAAGGCTTCCAGGTCAGCCAGGCTAAGG[G>A]ACAAGGGGACCATTTGTGTGGCCCCAGCCCCCCTTAGGCCCACCCTTGATGGTACGGAGC-3'